The following is an entry in ClinVar:

ClinVar aggregate classification (germline): Uncertain significance. Review status: criteria provided, multiple submitters, no conflicts (2 of 4 stars). 3 submissions from 3 submitters: Uncertain significance (3). Last evaluated 2025-04-08.

Conditions:
Nephronophthisis. Also called: Juvenile Nephronophthisis. Identifiers: Orphanet 655, MedGen C0687120, MONDO:0019005, HP:0000090.
NPHP3-related disorder. Also called: NPHP3-related condition; NPHP3-related disorders. Identifiers: MedGen CN379163.
Nephronophthisis 3 (NPHP3). Also called: Adolescent nephronophthisis. Identifiers: Orphanet 655, MedGen C1858392, MONDO:0011456, OMIM 604387.
NPHP3-related Meckel-like syndrome. Also called: GOLDSTON SYNDROME; Meckel syndrome type 7. Identifiers: Orphanet 3032, MedGen C2673885, MONDO:0009966, OMIM 267010.
Renal-hepatic-pancreatic dysplasia 1 (RHPD1). Identifiers: MedGen C3715199, MONDO:0008833, OMIM 208540.

Allele frequency attached by ClinVar (database versions not stated): gnomAD 0.00001; TOPMed 0.00002.
gnomAD v4.1: 16 of 1,613,962 alleles (0.00099%); highest among the groups gnomAD compares: Admixed American, 0.01%; no homozygotes.

Submissions (3):

PreventionGenetics, part of Exact Sciences
Classification: Uncertain significance for NPHP3-related condition. Last evaluated: 2025-04-08. Review status: criteria provided, single submitter. Criteria: ACMG Guidelines, 2015. Collection method: clinical testing. Allele origin: germline.
Comment: The NPHP3 c.1838G>A variant is predicted to result in the amino acid substitution p.Arg613His. To our knowledge, this variant has not been reported in the literature. This variant is reported in 0.014% of alleles in individuals of Latino descent in gnomAD. At this time, the clinical significance of this variant is uncertain due to the absence of conclusive functional and genetic evidence.

Fulgent Genetics
Classification: Uncertain significance for Renal-hepatic-pancreatic dysplasia 1; NPHP3-related Meckel-like syndrome; Nephronophthisis 3. Last evaluated: 2024-05-20. Review status: criteria provided, single submitter. Criteria: ACMG Guidelines, 2015. Collection method: clinical testing. Allele origin: germline.

Labcorp Genetics (formerly Invitae), Labcorp
Classification: Uncertain significance for Nephronophthisis. Last evaluated: 2022-10-05. Review status: criteria provided, single submitter. Criteria: Invitae Variant Classification Sherloc (09022015). Collection method: clinical testing. Allele origin: germline.
Comment: In summary, the available evidence is currently insufficient to determine the role of this variant in disease. Therefore, it has been classified as a Variant of Uncertain Significance. Advanced modeling of protein sequence and biophysical properties (such as structural, functional, and spatial information, amino acid conservation, physicochemical variation, residue mobility, and thermodynamic stability) performed at Invitae indicates that this missense variant is not expected to disrupt NPHP3 protein function. This variant has not been reported in the literature in individuals affected with NPHP3-related conditions. This variant is present in population databases (no rsID available, gnomAD 0.01%). This sequence change replaces arginine, which is basic and polar, with histidine, which is basic and polar, at codon 613 of the NPHP3 protein (p.Arg613His).

NM_153240.5(NPHP3):c.1838G>A (p.Arg613His)

Genes: NPHP3 (nephrocystin 3; minus strand), NPHP3-ACAD11 (NPHP3-ACAD11 readthrough (NMD candidate); minus strand). Cytogenetic location: 3q22.1.
Variant type: single nucleotide variant.
Coding change: c.1838G>A on transcript NM_153240.5 (MANE Select); coding-DNA position 1838, G replaced by A.
Protein change: p.Arg613His; replaces arginine 613 with histidine.
Molecular consequence: missense variant. On other transcripts: non-coding transcript variant (1).
Genome position (GRCh38, 1-based): chr3:132,699,967, C>T on the plus strand (G>A on the coding strand, the complement: NPHP3 is on the minus strand). VCF-style: chr3-132699967-C-T. GRCh37 (hg19) VCF-style: chr3-132418811-C-T.
Other names: c.1838G>A (NM_153240.4); short protein forms R613H.
Identifiers: ClinVar variation 2059653 (VCV002059653.4), dbSNP rs937330869, ClinGen allele CA83592526.